The following is an entry in ClinVar:

ClinVar aggregate classification (germline): Pathogenic. Review status: reviewed by expert panel (3 of 4 stars). 5 submissions from 5 submitters: Pathogenic (1). 4 of the submissions do not count toward it. Last evaluated 2016-10-18.

Conditions:
Hereditary breast ovarian cancer syndrome. Also called: Hereditary breast and/or ovarian cancer syndrome; Breast and ovarian cancer; Hereditary breast and ovarian cancer syndrome; Hereditary breast and ovarian cancer; Hereditary breast and ovarian cancer syndrome (HBOC); BRCA1- and BRCA2-Associated Hereditary Breast and Ovarian Cancer. Identifiers: Orphanet 145, MedGen C0677776, MeSH D061325, MONDO:0003582. Disease mechanism: loss of function.
Breast-ovarian cancer, familial, susceptibility to, 1 (BROVCA1). Also called: BRCA1 Hereditary Breast and Ovarian Cancer; OVARIAN CANCER, SUSCEPTIBILITY TO. Identifiers: Orphanet 145, MedGen C2676676, MONDO:0011450, OMIM 604370. Disease mechanism: loss of function.

Submissions (5):

Evidence-based Network for the Interpretation of Germline Mutant Alleles (ENIGMA)
Classification: Pathogenic for Breast-ovarian cancer, familial, susceptibility to, 1. Last evaluated: 2016-10-18. Review status: reviewed by expert panel. Criteria: ENIGMA BRCA1/2 Classification Criteria (2015). Collection method: curation. Allele origin: germline.
Comment: Variant allele predicted to encode a truncated non-functional protein.

Clinical Genetics Laboratory, Skane University Hospital Lund
Classification: Pathogenic. Last evaluated: 2022-05-27. Review status: criteria provided, single submitter. Criteria: ACMG Guidelines, 2015. Collection method: clinical testing. Allele origin: germline. Affected: yes. Not counted in ClinVar's aggregate classification.

Consortium of Investigators of Modifiers of BRCA1/2 (CIMBA), c/o University of Cambridge
Classification: Pathogenic for Breast-ovarian cancer, familial, susceptibility to, 1. Last evaluated: 2015-10-02. Review status: criteria provided, single submitter. Criteria: CIMBA Mutation Classification guidelines May 2016. Collection method: clinical testing. Allele origin: germline. Not counted in ClinVar's aggregate classification.

Research Molecular Genetics Laboratory, Women's College Hospital, University of Toronto
Classification: Pathogenic for Hereditary breast ovarian cancer syndrome. Last evaluated: 2014-01-31. Review status: no assertion criteria provided. Collection method: research. Allele origin: germline. Affected: yes. Study: The Canadian Open Genetics Repository (COGR). Not counted in ClinVar's aggregate classification.

Breast Cancer Information Core (BIC) (BRCA1)
Classification: Pathogenic for Breast-ovarian cancer, familial 1. Review status: no assertion criteria provided. Collection method: clinical testing. Allele origin: germline. Affected: yes. Observed: 4 variant alleles. Not counted in ClinVar's aggregate classification.

NM_007294.4(BRCA1):c.3053_3054insTGAGA (p.Ile1019fs)

Gene: BRCA1 (BRCA1 DNA repair associated; minus strand). Cytogenetic location: 17q21.31.
Variant type: Microsatellite.
Coding change: c.3053_3054insTGAGA on transcript NM_007294.4 (MANE Select); coding-DNA positions 3053 to 3054, TGAGA inserted.
Protein change: p.Ile1019fs; shifts the reading frame from isoleucine 1019.
Molecular consequence: frameshift variant. On other transcripts: inframe indel (1), intron variant (137).
Genome position: GRCh38 VCF-style: chr17-43092477-G-GTCTCA. GRCh37 (hg19) VCF-style: chr17-41244494-G-GTCTCA.
Other names: 3172ins5; 3172insTGAGA-ter1025; c.3053_3054insTGAGA, p.Ile1019fs (NM_007294.3, NM_001407652.1, NM_001407684.1 and 31 more transcripts); c.3050_3051insTGAGA, p.Ile1018fs (NM_001407633.1, NM_001407634.1, NM_001407635.1 and 22 more transcripts); c.2930_2931insTGAGA, p.Ile978fs (NM_001407648.1, NM_001407664.1, NM_001407665.1 and 19 more transcripts); c.2927_2928insTGAGA, p.Ile977fs (NM_001407649.1, NM_001407670.1, NM_001407671.1 and 11 more transcripts); c.2975_2976insTGAGA, p.Ile993fs (NM_001407653.1, NM_001407654.1, NM_001407655.1 and 4 more transcripts); c.2972_2973insTGAGA, p.Ile992fs (NM_001407659.1, NM_001407660.1, NM_001407661.1 and 1 more transcripts); and 43 more; short protein forms I1019fs, I972fs, I907fs, I930fs, I951fs, I851fs, I949fs, I952fs.
Identifiers: ClinVar variation 125603 (VCV000125603.7), dbSNP rs80357547.